The following is an entry in ClinVar:

ClinVar aggregate classification (germline): Uncertain significance (1 of 4 stars; one submission).

Conditions:
Intellectual developmental disorder, autosomal dominant 48. Also called: MENTAL RETARDATION, AUTOSOMAL DOMINANT 48; Intellectual disability, autosomal dominant 48. Identifiers: Orphanet 500159, MedGen C4540321, MONDO:0030913, OMIM 617751.

Submission:

3billion
Classification: Uncertain significance for Intellectual developmental disorder, autosomal dominant 48. Last evaluated: 2024-02-05. Review status: criteria provided, single submitter. Criteria: ACMG Guidelines, 2015. Collection method: clinical testing. Allele origin: germline. Affected: yes.
Comment: The variant is not observed in the gnomAD v2.1.1 dataset. Predicted Consequence/Location: Missense changes are a common disease-causing mechanism. In silico tool predictions suggest damaging effect of the variant on gene or gene product [REVEL: 0.67 (>=0.6, sensitivity 0.68 and specificity 0.92); 3Cnet: 0.99 (>=0.6, sensitivity 0.72 and precision 0.9)]. Therefore, this variant is classified as VUS according to the recommendation of ACMG/AMP guideline.

NM_006908.5(RAC1):c.160G>A (p.Gly54Ser)

Gene: RAC1 (Rac family small GTPase 1; plus strand). Cytogenetic location: 7p22.1.
Variant type: single nucleotide variant.
Coding change: c.160G>A on transcript NM_006908.5 (MANE Select); coding-DNA position 160, G replaced by A.
Protein change: p.Gly54Ser; replaces glycine 54 with serine.
Molecular consequence: missense variant.
Genome position (GRCh38, 1-based): chr7:6,391,976, G>A. VCF-style: chr7-6391976-G-A. GRCh37 (hg19) VCF-style: chr7-6431607-G-A.
Other names: c.160G>A, p.Gly54Ser (NM_018890.4); short protein forms G54S.
Identifiers: ClinVar variation 3775193 (VCV003775193.1).